The following is an entry in ClinVar:

NM_000018.4(ACADVL):c.323del (p.Pro108fs)

Gene: ACADVL (acyl-CoA dehydrogenase very long chain; plus strand). Cytogenetic location: 17p13.1.
Variant type: Deletion.
Coding change: c.323del on transcript NM_000018.4 (MANE Select); coding-DNA position 323, one base deleted (C; older notation c.323delC).
Protein change: p.Pro108fs; shifts the reading frame from proline 108.
Molecular consequence: frameshift variant.
Genome position (GRCh38, 1-based): chr17:7,220,811, C deleted; the last of 2 consecutive C bases (chr17:7,220,810-7,220,811); deleting either gives the same sequence. VCF-style (leftmost placement, unchanged base first): chr17-7220809-GC-G. GRCh37 (hg19) VCF-style: chr17-7124128-GC-G.
Other names: c.257del, p.Pro86fs (NM_001033859.3); c.392del, p.Pro131fs (NM_001270447.2); c.95del, p.Pro32fs (NM_001270448.2); short protein forms P108fs, P131fs, P32fs, P86fs.
Identifiers: ClinVar variation 4817404 (VCV004817404.1).

ClinVar aggregate classification (germline): Likely pathogenic (1 of 4 stars; one submission).

Conditions:
Very long chain acyl-CoA dehydrogenase deficiency (ACADVLD). Also called: Very Long-Chain Acyl-Coenzyme A Dehydrogenase Deficiency; VLCAD Deficiency. Identifiers: Orphanet 26793, MedGen C3887523, MONDO:0008723, OMIM 201475.

Submission:

Natera, Inc.
Classification: Likely pathogenic for Very long chain acyl-CoA dehydrogenase deficiency. Last evaluated: 2026-01-12. Review status: criteria provided, single submitter. Criteria: Natera Variant Classification Schema (03/2026). Collection method: clinical testing. Allele origin: germline.
Comment: The c.323del variant in ACADVL is a frameshift variant predicted to shift the reading frame beginning at codon 108 and leads to a stop codon 9 codons downstream. This variant is expected to result in nonsense mediated decay, truncation, or a dysfunctional protein product. This variant is rare in the general population with a frequency below the threshold expected for the associated phenotype(s). Given the available evidence, this variant is classified as Likely Pathogenic.